The following is an entry in ClinVar:

NM_006231.4(POLE):c.2027-11C>T

Gene: POLE (DNA polymerase epsilon, catalytic subunit; minus strand). Cytogenetic location: 12q24.33.
Variant type: single nucleotide variant.
Coding change: c.2027-11C>T on transcript NM_006231.4 (MANE Select); 11 bases into the intron before coding-DNA position 2027, C replaced by T.
Molecular consequence: intron variant.
Genome position (GRCh38, 1-based): chr12:132,668,513, G>A on the plus strand (C>T on the coding strand, the complement: POLE is on the minus strand). VCF-style: chr12-132668513-G-A. GRCh37 (hg19) VCF-style: chr12-133245099-G-A.
Identifiers: ClinVar variation 509282 (VCV000509282.5), dbSNP rs1555227287, ClinGen allele CA658797991.

ClinVar aggregate classification (germline): Likely benign. Review status: criteria provided, multiple submitters, no conflicts (2 of 4 stars). 2 submissions from 2 submitters: Likely benign (2). Last evaluated 2025-06-25.

Allele frequency attached by ClinVar (database versions not stated): TOPMed below 0.00001; gnomAD 0.00002.
gnomAD v4.1: 3 of 1,582,254 alleles (0.00019%); highest among the groups gnomAD compares: African/African-American, 0.004%; no homozygotes.

Submissions (2):

Labcorp Genetics (formerly Invitae), Labcorp
Classification: Likely benign. Last evaluated: 2025-06-25. Review status: criteria provided, single submitter. Criteria: Invitae Variant Classification Sherloc (09022015). Collection method: clinical testing. Allele origin: germline.

GeneDx
Classification: Likely benign. Last evaluated: 2017-05-01. Review status: criteria provided, single submitter. Criteria: GeneDx Variant Classification (06012015). Collection method: clinical testing. Allele origin: germline. Affected: yes.
Comment: This variant is considered likely benign or benign based on one or more of the following criteria: it is a conservative change, it occurs at a poorly conserved position in the protein, it is predicted to be benign by multiple in silico algorithms, and/or has population frequency not consistent with disease.